The following is an entry in ClinVar:

ClinVar aggregate classification (germline): Uncertain significance (1 of 4 stars; one submission).

Allele frequency attached by ClinVar (database versions not stated): TOPMed below 0.00001; gnomAD 0.00001; gnomAD exomes 0.00001.
gnomAD v4.1: 5 of 1,614,052 alleles (0.00031%); highest among the groups gnomAD compares: East Asian, 0.011%; no homozygotes.

Submission:

Labcorp Genetics (formerly Invitae), Labcorp
Classification: Uncertain significance. Last evaluated: 2024-07-01. Review status: criteria provided, single submitter. Criteria: Invitae Variant Classification Sherloc (09022015). Collection method: clinical testing. Allele origin: germline.
Comment: This sequence change replaces glutamic acid, which is acidic and polar, with glutamine, which is neutral and polar, at codon 953 of the KCNH1 protein (p.Glu953Gln). This variant is not present in population databases (gnomAD no frequency). This variant has not been reported in the literature in individuals affected with KCNH1-related conditions. ClinVar contains an entry for this variant (Variation ID: 1375151). Advanced modeling of protein sequence and biophysical properties (such as structural, functional, and spatial information, amino acid conservation, physicochemical variation, residue mobility, and thermodynamic stability) has been performed at Invitae for this missense variant, however the output from this modeling did not meet the statistical confidence thresholds required to predict the impact of this variant on KCNH1 protein function. In summary, the available evidence is currently insufficient to determine the role of this variant in disease. Therefore, it has been classified as a Variant of Uncertain Significance.

NM_172362.3(KCNH1):c.2857G>C (p.Glu953Gln)

Gene: KCNH1 (potassium voltage-gated channel subfamily H member 1; minus strand). Cytogenetic location: 1q32.2.
Variant type: single nucleotide variant.
Coding change: c.2857G>C on transcript NM_172362.3 (MANE Select); coding-DNA position 2857, G replaced by C.
Protein change: p.Glu953Gln; replaces glutamic acid 953 with glutamine.
Molecular consequence: missense variant.
Genome position (GRCh38, 1-based): chr1:210,683,394, C>G on the plus strand (G>C on the coding strand, the complement: KCNH1 is on the minus strand). VCF-style: chr1-210683394-C-G. GRCh37 (hg19) VCF-style: chr1-210856736-C-G.
Other names: c.2776G>C, p.Glu926Gln (NM_002238.4); short protein forms E926Q, E953Q.
Identifiers: ClinVar variation 1375151 (VCV001375151.6), dbSNP rs1574177548, ClinGen allele CA344870278.
Genomic context (GRCh38, chr1:210,683,394, plus strand): 5'-TTTCAAACAACTCCTGAGGAGACTGAGAGGATCTTCTGGAAGTTAATATCCTGAGTATCT[C>G]AGAGAGCTGTTTCTCAATATTGGTCATTTTGGCGTTTAAGGCCTTGATGTCCTCCTTCAG-3'
Protein context (NP_758872.1, residues 943-963): KMTNIEKQLS[Glu953Gln]ILRILTSRRS